The following is an entry in ClinVar:

NM_002439.5(MSH3):c.2269A>C (p.Lys757Gln)

Gene: MSH3 (mutS homolog 3; plus strand). Cytogenetic location: 5q14.1.
Variant type: single nucleotide variant.
Coding change: c.2269A>C on transcript NM_002439.5 (MANE Select); coding-DNA position 2269, A replaced by C.
Protein change: p.Lys757Gln; replaces lysine 757 with glutamine.
Molecular consequence: missense variant.
Genome position (GRCh38, 1-based): chr5:80,775,709, A>C. VCF-style: chr5-80775709-A-C. GRCh37 (hg19) VCF-style: chr5-80071528-A-C.
Other names: short protein forms K757Q.
Identifiers: ClinVar variation 2793768 (VCV002793768.3), dbSNP rs2546777854, ClinGen allele CA360280738.

ClinVar aggregate classification (germline): Uncertain significance (1 of 4 stars; one submission).

Submission:

Labcorp Genetics (formerly Invitae), Labcorp
Classification: Uncertain significance. Last evaluated: 2023-12-27. Review status: criteria provided, single submitter. Criteria: Invitae Variant Classification Sherloc (09022015). Collection method: clinical testing. Allele origin: germline.
Comment: This sequence change replaces lysine, which is basic and polar, with glutamine, which is neutral and polar, at codon 757 of the MSH3 protein (p.Lys757Gln). This variant is not present in population databases (gnomAD no frequency). This variant has not been reported in the literature in individuals affected with MSH3-related conditions. An algorithm developed to predict the effect of missense changes on protein structure and function (PolyPhen-2) suggests that this variant is likely to be disruptive. In summary, the available evidence is currently insufficient to determine the role of this variant in disease. Therefore, it has been classified as a Variant of Uncertain Significance.